The following is an entry in ClinVar:

ClinVar aggregate classification (germline): Uncertain significance (1 of 4 stars; one submission).

Conditions:
Inborn genetic diseases. Identifiers: MedGen C0950123, MeSH D030342.

gnomAD v4.1: 1 of 1,613,928 alleles (0.000062%); highest among the groups gnomAD compares: Non-Finnish European, 0.000085%; no homozygotes.

Submission:

Ambry Genetics
Classification: Uncertain significance for Inborn genetic diseases. Last evaluated: 2025-07-17. Review status: criteria provided, single submitter. Criteria: Ambry Variant Classification Scheme 2023. Collection method: clinical testing. Allele origin: germline.
Comment: The p.P141A variant (also known as c.421C>G), located in coding exon 5 of the DDX41 gene, results from a C to G substitution at nucleotide position 421. The proline at codon 141 is replaced by alanine, an amino acid with highly similar properties. This amino acid position is conserved. In addition, this alteration is predicted to be tolerated by in silico analysis. Based on the available evidence, the clinical significance of this variant remains unclear.

NM_016222.4(DDX41):c.421C>G (p.Pro141Ala)

Gene: DDX41 (DEAD-box helicase 41; minus strand). Cytogenetic location: 5q35.3.
Variant type: single nucleotide variant.
Coding change: c.421C>G on transcript NM_016222.4 (MANE Select); coding-DNA position 421, C replaced by G.
Protein change: p.Pro141Ala; replaces proline 141 with alanine.
Molecular consequence: missense variant.
Genome position (GRCh38, 1-based): chr5:177,515,942, G>C on the plus strand (C>G on the coding strand, the complement: DDX41 is on the minus strand). VCF-style: chr5-177515942-G-C. GRCh37 (hg19) VCF-style: chr5-176942943-G-C.
Other names: c.43C>G, p.Pro15Ala (NM_001321732.2, NM_001321830.2); short protein forms P15A, P141A.
Identifiers: ClinVar variation 4238774 (VCV004238774.1).